The following is an entry in ClinVar:

NM_001080414.4(CCDC88C):c.1374C>A (p.Asn458Lys)

Gene: CCDC88C (coiled-coil and HOOK domain protein 88C; minus strand). Cytogenetic location: 14q32.11.
Variant type: single nucleotide variant.
Coding change: c.1374C>A on transcript NM_001080414.4 (MANE Select); coding-DNA position 1374, C replaced by A.
Protein change: p.Asn458Lys; replaces asparagine 458 with lysine.
Molecular consequence: missense variant.
Genome position (GRCh38, 1-based): chr14:91,321,273, G>T on the plus strand (C>A on the coding strand, the complement: CCDC88C is on the minus strand). VCF-style: chr14-91321273-G-T. GRCh37 (hg19) VCF-style: chr14-91787617-G-T.
Other names: short protein forms N458K.
Identifiers: ClinVar variation 2101763 (VCV002101763.4), dbSNP rs373669989, ClinGen allele CA390636255.

ClinVar aggregate classification (germline): Uncertain significance (1 of 4 stars; one submission).

gnomAD v4.1: 4 of 1,568,114 alleles (0.00026%); highest among the groups gnomAD compares: Non-Finnish European, 0.00035%; no homozygotes.

Submission:

Labcorp Genetics (formerly Invitae), Labcorp
Classification: Uncertain significance. Last evaluated: 2022-02-22. Review status: criteria provided, single submitter. Criteria: Invitae Variant Classification Sherloc (09022015). Collection method: clinical testing. Allele origin: germline.
Comment: In summary, the available evidence is currently insufficient to determine the role of this variant in disease. Therefore, it has been classified as a Variant of Uncertain Significance. Algorithms developed to predict the effect of missense changes on protein structure and function are either unavailable or do not agree on the potential impact of this missense change (SIFT: "Tolerated"; PolyPhen-2: "Probably Damaging"; Align-GVGD: "Class C0"). This variant has not been reported in the literature in individuals affected with CCDC88C-related conditions. This variant is not present in population databases (gnomAD no frequency). This sequence change replaces asparagine, which is neutral and polar, with lysine, which is basic and polar, at codon 458 of the CCDC88C protein (p.Asn458Lys).